The following is an entry in ClinVar:

ClinVar aggregate classification (germline): Uncertain significance (1 of 4 stars; one submission).

Submission:

Labcorp Genetics (formerly Invitae), Labcorp
Classification: Uncertain significance. Last evaluated: 2022-08-22. Review status: criteria provided, single submitter. Criteria: Invitae Variant Classification Sherloc (09022015). Collection method: clinical testing. Allele origin: germline.
Comment: In summary, the available evidence is currently insufficient to determine the role of this variant in disease. Therefore, it has been classified as a Variant of Uncertain Significance. This sequence change replaces proline, which is neutral and non-polar, with threonine, which is neutral and polar, at codon 657 of the TCF20 protein (p.Pro657Thr). This variant is not present in population databases (gnomAD no frequency). This variant has not been reported in the literature in individuals affected with TCF20-related conditions. Algorithms developed to predict the effect of missense changes on protein structure and function (SIFT, PolyPhen-2, Align-GVGD) all suggest that this variant is likely to be tolerated.

NM_001378418.1(TCF20):c.1969C>A (p.Pro657Thr)

Gene: TCF20 (transcription factor 20; minus strand). Cytogenetic location: 22q13.2.
Variant type: single nucleotide variant.
Coding change: c.1969C>A on transcript NM_001378418.1 (MANE Select); coding-DNA position 1969, C replaced by A.
Protein change: p.Pro657Thr; replaces proline 657 with threonine.
Molecular consequence: missense variant.
Genome position (GRCh38, 1-based): chr22:42,213,337, G>T on the plus strand (C>A on the coding strand, the complement: TCF20 is on the minus strand). VCF-style: chr22-42213337-G-T. GRCh37 (hg19) VCF-style: chr22-42609343-G-T.
Other names: c.1969C>A, p.Pro657Thr (NM_005650.4, NM_181492.3); short protein forms P657T.
Identifiers: ClinVar variation 1906232 (VCV001906232.5), dbSNP rs1921240255, ClinGen allele CA411789689.